The following is an entry in ClinVar:

ClinVar aggregate classification (germline): Likely benign (1 of 4 stars; one submission).

Submission:

CeGaT Center for Human Genetics Tuebingen
Classification: Likely benign. Last evaluated: 2026-02-01. Review status: criteria provided, single submitter. Criteria: CeGaT Center For Human Genetics Tuebingen Variant Classification Criteria Version 2. Collection method: clinical testing. Allele origin: germline. Affected: yes. Observed: 1 variant allele.
Comment: FMN2: BP4, BP7

NM_020066.5(FMN2):c.3195T>A (p.Pro1065=)

Gene: FMN2 (formin 2; plus strand). Cytogenetic location: 1q43.
Variant type: single nucleotide variant.
Coding change: c.3195T>A on transcript NM_020066.5 (MANE Select); coding-DNA position 3195, T replaced by A.
Protein change: p.Pro1065=; no amino-acid change (proline 1065 retained).
Molecular consequence: synonymous variant. On other transcripts: intron variant (1).
Genome position (GRCh38, 1-based): chr1:240,208,007, T>A. VCF-style: chr1-240208007-T-A. GRCh37 (hg19) VCF-style: chr1-240371307-T-A.
Other names: c.3207T>A, p.Pro1069= (NM_001305424.2); c.1986+19745T>A (NM_001348094.2).
Identifiers: ClinVar variation 4821972 (VCV004821972.4).